The following is an entry in ClinVar:

NM_005219.5(DIAPH1):c.2139_2150dup (p.Pro719_Leu720insProProProPro)

Gene: DIAPH1 (diaphanous related formin 1; minus strand). Cytogenetic location: 5q31.3.
Variant type: Duplication.
Coding change: c.2139_2150dup on transcript NM_005219.5 (MANE Select); coding-DNA positions 2139 to 2150, 12 bases duplicated (GCCACCTCCTCC).
Protein change: p.Pro719_Leu720insProProProPro.
Molecular consequence: inframe insertion.
Genome position (GRCh38, 1-based): chr5:141,573,700-141,573,711, GGAGGAGGTGGC duplicated on the plus strand (GCCACCTCCTCC on the coding strand, the reverse complement: DIAPH1 is on the minus strand). VCF-style (leftmost placement, unchanged base first): chr5-141573699-A-AGGAGGAGGTGGC. GRCh37 (hg19) VCF-style: chr5-140953266-A-AGGAGGAGGTGGC.
Other names: c.2112_2123dup, p.Pro710_Leu711insProProProPro (NM_001079812.3); c.2139_2150dup, p.Pro719_Leu720insProProProPro (NM_001314007.2).
Identifiers: ClinVar variation 3759693 (VCV003759693.2).
Genomic context (GRCh38, chr5:141,573,699, plus strand): 5'-GCCAGGGCCTCCGGGAAATGGAGGAGGTGGAGGGATTCCAGGACCACCAGGAAGAGGGGG[A>AGGAGGAGGTGGC]GGAGGAGGTGGCATTCCTGCTTCTCCAGGCAAGGGAGGAGGTGGGGGGGGAATTCCAGCA-3'

ClinVar aggregate classification (germline): Uncertain significance (1 of 4 stars; one submission).

Conditions:
Autosomal dominant nonsyndromic hearing loss 1. Also called: KONIGSMARK SYNDROME; DEAFNESS, AUTOSOMAL DOMINANT 1, WITH OR WITHOUT THROMBOCYTOPENIA. Identifiers: Orphanet 90635, MedGen C1852282, MONDO:0007424, OMIM 124900.
Progressive microcephaly-seizures-cortical blindness-developmental delay syndrome. Also called: Seizures, cortical blindness, and microcephaly syndrome. Identifiers: Orphanet 477814, MedGen C5567650, MONDO:0014714, OMIM 616632.

Submission:

Labcorp Genetics (formerly Invitae), Labcorp
Classification: Uncertain significance for Progressive microcephaly-seizures-cortical blindness-developmental delay syndrome; Autosomal dominant nonsyndromic hearing loss 1. Last evaluated: 2024-11-03. Review status: criteria provided, single submitter. Criteria: Invitae Variant Classification Sherloc (09022015). Collection method: clinical testing. Allele origin: germline.
Comment: This variant, c.2139_2150dup, results in the insertion of 4 amino acid(s) of the DIAPH1 protein (p.Pro716_Pro719dup), but otherwise preserves the integrity of the reading frame. This variant is not present in population databases (gnomAD no frequency). This variant has not been reported in the literature in individuals affected with DIAPH1-related conditions. In summary, the available evidence is currently insufficient to determine the role of this variant in disease. Therefore, it has been classified as a Variant of Uncertain Significance.